The following is an entry in ClinVar:

ClinVar aggregate classification (germline): Uncertain significance (1 of 4 stars; one submission).

Allele frequency attached by ClinVar (database versions not stated): TOPMed below 0.00001; gnomAD 0.00001.
gnomAD v4.1: 2 of 1,614,100 alleles (0.00012%); highest among the groups gnomAD compares: African/African-American, 0.0013%; no homozygotes.

Submission:

Labcorp Genetics (formerly Invitae), Labcorp
Classification: Uncertain significance. Last evaluated: 2024-11-03. Review status: criteria provided, single submitter. Criteria: Invitae Variant Classification Sherloc (09022015). Collection method: clinical testing. Allele origin: germline.
Comment: This sequence change replaces cysteine, which is neutral and slightly polar, with glycine, which is neutral and non-polar, at codon 262 of the MERTK protein (p.Cys262Gly). This variant is not present in population databases (gnomAD no frequency). This variant has not been reported in the literature in individuals affected with MERTK-related conditions. ClinVar contains an entry for this variant (Variation ID: 1506778). Invitae Evidence Modeling of protein sequence and biophysical properties (such as structural, functional, and spatial information, amino acid conservation, physicochemical variation, residue mobility, and thermodynamic stability) indicates that this missense variant is expected to disrupt MERTK protein function with a positive predictive value of 80%. In summary, the available evidence is currently insufficient to determine the role of this variant in disease. Therefore, it has been classified as a Variant of Uncertain Significance.

NM_006343.3(MERTK):c.784T>G (p.Cys262Gly)

Gene: MERTK (MER proto-oncogene, tyrosine kinase; plus strand). Cytogenetic location: 2q13.
Variant type: single nucleotide variant.
Coding change: c.784T>G on transcript NM_006343.3 (MANE Select); coding-DNA position 784, T replaced by G.
Protein change: p.Cys262Gly; replaces cysteine 262 with glycine.
Molecular consequence: missense variant.
Genome position (GRCh38, 1-based): chr2:111,965,217, T>G. VCF-style: chr2-111965217-T-G. GRCh37 (hg19) VCF-style: chr2-112722794-T-G.
Other names: short protein forms C262G.
Identifiers: ClinVar variation 1506778 (VCV001506778.5), dbSNP rs1007621513, ClinGen allele CA53581864.